The following is an entry in ClinVar:

NM_133478.3(SLC4A5):c.201G>A (p.Gln67=)

Gene: SLC4A5 (solute carrier family 4 member 5; minus strand). Cytogenetic location: 2p13.1.
Variant type: single nucleotide variant.
Coding change: c.201G>A on transcript NM_133478.3 (MANE Select); coding-DNA position 201, G replaced by A.
Protein change: p.Gln67=; no amino-acid change (glutamine 67 retained).
Molecular consequence: synonymous variant.
Genome position (GRCh38, 1-based): chr2:74,304,559, C>T on the plus strand (G>A on the coding strand, the complement: SLC4A5 is on the minus strand). VCF-style: chr2-74304559-C-T. GRCh37 (hg19) VCF-style: chr2-74531686-C-T.
Other names: c.201G>A, p.Gln67= (NM_021196.3).
Identifiers: ClinVar variation 2651068 (VCV002651068.24), dbSNP rs746344178, ClinGen allele CA1721212.

ClinVar aggregate classification (germline): Likely benign (1 of 4 stars; one submission).

Allele frequency attached by ClinVar (database versions not stated): TOPMed below 0.00001; gnomAD 0.00001; gnomAD exomes 0.00001; ExAC 0.00003.
gnomAD v4.1: 19 of 1,614,086 alleles (0.0012%); highest among the groups gnomAD compares: South Asian, 0.0022%; no homozygotes.

Submission:

CeGaT Center for Human Genetics Tuebingen
Classification: Likely benign. Last evaluated: 2022-04-01. Review status: criteria provided, single submitter. Criteria: CeGaT Center For Human Genetics Tuebingen Variant Classification Criteria Version 2. Collection method: clinical testing. Allele origin: germline. Affected: yes. Observed: 1 variant allele.
Comment: SLC4A5: BP4, BP7